The following is an entry in ClinVar:

NM_000135.4(FANCA):c.474C>T (p.His158=)

Gene: FANCA (FA complementation group A; minus strand). Cytogenetic location: 16q24.3.
Variant type: single nucleotide variant.
Coding change: c.474C>T on transcript NM_000135.4 (MANE Select); coding-DNA position 474, C replaced by T.
Protein change: p.His158=; no amino-acid change (histidine 158 retained).
Molecular consequence: synonymous variant. On other transcripts: intron variant (1).
Genome position (GRCh38, 1-based): chr16:89,810,755, G>A on the plus strand (C>T on the coding strand, the complement: FANCA is on the minus strand). VCF-style: chr16-89810755-G-A. GRCh37 (hg19) VCF-style: chr16-89877163-G-A.
Other names: c.474C>T, p.His158= (NM_001018112.3, NM_001286167.3); c.426+174C>T (NM_001351830.2).
Identifiers: ClinVar variation 2909889 (VCV002909889.11), dbSNP rs2040845955, ClinGen allele CA497379671.

ClinVar aggregate classification (germline): Likely benign. Review status: criteria provided, multiple submitters, no conflicts (2 of 4 stars). 2 submissions from 2 submitters: Likely benign (2). Last evaluated 2025-06-01.

Conditions:
Fanconi anemia (FA). Also called: Fanconi's anemia. Identifiers: Orphanet 84, MedGen C0015625, MeSH D005199, MONDO:0019391.

Allele frequency attached by ClinVar (database versions not stated): gnomAD exomes below 0.00001; gnomAD 0.00001.
gnomAD v4.1: 2 of 1,613,296 alleles (0.00012%); highest among the groups gnomAD compares: Admixed American, 0.0017%; no homozygotes.

Submissions (2):

CeGaT Center for Human Genetics Tuebingen
Classification: Likely benign. Last evaluated: 2025-06-01. Review status: criteria provided, single submitter. Criteria: CeGaT Center For Human Genetics Tuebingen Variant Classification Criteria Version 2. Collection method: clinical testing. Allele origin: germline. Affected: yes. Observed: 1 variant allele.
Comment: FANCA: BP4, BP7

Labcorp Genetics (formerly Invitae), Labcorp
Classification: Likely benign for Fanconi anemia. Last evaluated: 2023-03-09. Review status: criteria provided, single submitter. Criteria: Invitae Variant Classification Sherloc (09022015). Collection method: clinical testing. Allele origin: germline.